The following is an entry in ClinVar:

NM_004260.4(RECQL4):c.1487T>C (p.Ile496Thr)

Gene: RECQL4 (RecQ like helicase 4; minus strand). Cytogenetic location: 8q24.3.
Variant type: single nucleotide variant.
Coding change: c.1487T>C on transcript NM_004260.4 (MANE Select); coding-DNA position 1487, T replaced by C.
Protein change: p.Ile496Thr; replaces isoleucine 496 with threonine.
Molecular consequence: missense variant.
Genome position (GRCh38, 1-based): chr8:144,515,069, A>G on the plus strand (T>C on the coding strand, the complement: RECQL4 is on the minus strand). VCF-style: chr8-144515069-A-G. GRCh37 (hg19) VCF-style: chr8-145740453-A-G.
Other names: short protein forms I496T.
Identifiers: ClinVar variation 835828 (VCV000835828.7), dbSNP rs772318434, ClinGen allele CA4948825.

ClinVar aggregate classification (germline): Uncertain significance. Review status: criteria provided, multiple submitters, no conflicts (2 of 4 stars). 2 submissions from 2 submitters: Uncertain significance (2). Last evaluated 2025-01-29.

Conditions:
Baller-Gerold syndrome (BGS). Also called: CRANIOSYNOSTOSIS WITH RADIAL DEFECTS. Identifiers: Orphanet 1225, MedGen C0265308, MONDO:0009039, OMIM 218600.
Inborn genetic diseases. Identifiers: MedGen C0950123, MeSH D030342.

Allele frequency attached by ClinVar (database versions not stated): gnomAD exomes 0.00001; ExAC 0.00003.

Submissions (2):

Labcorp Genetics (formerly Invitae), Labcorp
Classification: Uncertain significance for Baller-Gerold syndrome. Last evaluated: 2025-01-29. Review status: criteria provided, single submitter. Criteria: Invitae Variant Classification Sherloc (09022015). Collection method: clinical testing. Allele origin: germline.
Comment: This sequence change replaces isoleucine, which is neutral and non-polar, with threonine, which is neutral and polar, at codon 496 of the RECQL4 protein (p.Ile496Thr). This variant is present in population databases (rs772318434, gnomAD 0.02%). This variant has not been reported in the literature in individuals affected with RECQL4-related conditions. ClinVar contains an entry for this variant (Variation ID: 835828). Invitae Evidence Modeling of protein sequence and biophysical properties (such as structural, functional, and spatial information, amino acid conservation, physicochemical variation, residue mobility, and thermodynamic stability) has been performed for this missense variant. However, the output from this modeling did not meet the statistical confidence thresholds required to predict the impact of this variant on RECQL4 protein function. In summary, the available evidence is currently insufficient to determine the role of this variant in disease. Therefore, it has been classified as a Variant of Uncertain Significance.

Ambry Genetics
Classification: Uncertain significance for Inborn genetic diseases. Last evaluated: 2024-12-27. Review status: criteria provided, single submitter. Criteria: Ambry Variant Classification Scheme 2023. Collection method: clinical testing. Allele origin: germline.
Comment: The p.I496T variant (also known as c.1487T>C), located in coding exon 9 of the RECQL4 gene, results from a T to C substitution at nucleotide position 1487. The isoleucine at codon 496 is replaced by threonine, an amino acid with similar properties. This amino acid position is conserved. In addition, this alteration is predicted to be tolerated by in silico analysis. Based on the available evidence, the clinical significance of this variant remains unclear.